The following is an entry in ClinVar:

NM_000238.4(KCNH2):c.790A>C (p.Ser264Arg)

Gene: KCNH2 (potassium voltage-gated channel subfamily H member 2; minus strand). Cytogenetic location: 7q36.1.
Variant type: single nucleotide variant.
Coding change: c.790A>C on transcript NM_000238.4 (MANE Select); coding-DNA position 790, A replaced by C.
Protein change: p.Ser264Arg; replaces serine 264 with arginine.
Molecular consequence: missense variant.
Genome position (GRCh38, 1-based): chr7:150,958,185, T>G on the plus strand (A>C on the coding strand, the complement: KCNH2 is on the minus strand). VCF-style: chr7-150958185-T-G. GRCh37 (hg19) VCF-style: chr7-150655273-T-G.
Other names: c.502A>C, p.Ser168Arg (NM_001406753.1, NM_001406756.1); c.613A>C, p.Ser205Arg (NM_001406755.1); c.490A>C, p.Ser164Arg (NM_001406757.1); c.790A>C, p.Ser264Arg (NM_172056.3); short protein forms S164R, S168R, S264R, S205R.
Identifiers: ClinVar variation 1904402 (VCV001904402.5), dbSNP rs2486089889, ClinGen allele CA369862483.

ClinVar aggregate classification (germline): Uncertain significance (1 of 4 stars; one submission).

Conditions:
Long QT syndrome (LQTS). Identifiers: MedGen C0023976, MeSH D008133, MONDO:0002442. Disease mechanism: loss of function. Inheritance: Various modes of inheritance.

Submission:

Labcorp Genetics (formerly Invitae), Labcorp
Classification: Uncertain significance for Long QT syndrome. Last evaluated: 2022-07-13. Review status: criteria provided, single submitter. Criteria: Invitae Variant Classification Sherloc (09022015). Collection method: clinical testing. Allele origin: germline.
Comment: This sequence change replaces serine, which is neutral and polar, with arginine, which is basic and polar, at codon 264 of the KCNH2 protein (p.Ser264Arg). This variant is not present in population databases (gnomAD no frequency). This variant has not been reported in the literature in individuals affected with KCNH2-related conditions. Algorithms developed to predict the effect of missense changes on protein structure and function are either unavailable or do not agree on the potential impact of this missense change (SIFT: "Deleterious"; PolyPhen-2: "Possibly Damaging"; Align-GVGD: "Class C0"). In summary, the available evidence is currently insufficient to determine the role of this variant in disease. Therefore, it has been classified as a Variant of Uncertain Significance.